The following is an entry in ClinVar:

NM_001211.6(BUB1B):c.2784C>A (p.Ser928Arg)

Genes: BUB1B (BUB1 mitotic checkpoint serine/threonine kinase B; plus strand), BUB1B-PAK6 (BUB1B-PAK6 readthrough; plus strand). Cytogenetic location: 15q15.1.
Variant type: single nucleotide variant.
Coding change: c.2784C>A on transcript NM_001211.6 (MANE Select); coding-DNA position 2784, C replaced by A.
Protein change: p.Ser928Arg; replaces serine 928 with arginine.
Molecular consequence: missense variant. On other transcripts: 5 prime UTR variant (2).
Genome position (GRCh38, 1-based): chr15:40,217,601, C>A. VCF-style: chr15-40217601-C-A. GRCh37 (hg19) VCF-style: chr15-40509802-C-A.
Other names: c.-267C>A (NM_001128628.3); c.-184C>A (NM_001128629.3); short protein forms S928R.
Identifiers: ClinVar variation 3826085 (VCV003826085.1).

ClinVar aggregate classification (germline): Uncertain significance (1 of 4 stars; one submission).

Conditions:
Inborn genetic diseases. Identifiers: MedGen C0950123, MeSH D030342.

gnomAD v4.1: 4 of 1,614,128 alleles (0.00025%); highest among the groups gnomAD compares: Non-Finnish European, 0.00034%; no homozygotes.

Submission:

Ambry Genetics
Classification: Uncertain significance for Inborn genetic diseases. Last evaluated: 2025-01-05. Review status: criteria provided, single submitter. Criteria: Ambry Variant Classification Scheme 2023. Collection method: clinical testing. Allele origin: germline.
Comment: The p.S928R variant (also known as c.2784C>A), located in coding exon 21 of the BUB1B gene, results from a C to A substitution at nucleotide position 2784. The serine at codon 928 is replaced by arginine, an amino acid with dissimilar properties. This amino acid position is conserved. In addition, this alteration is predicted to be tolerated by in silico analysis. Based on the available evidence, the clinical significance of this variant remains unclear.